The following is an entry in ClinVar:

ClinVar aggregate classification (germline): Uncertain significance. Review status: criteria provided, multiple submitters, no conflicts (2 of 4 stars). 5 submissions from 5 submitters: Uncertain significance (4). 1 of the submissions does not count toward it. Last evaluated 2025-11-10.

Conditions:
Hereditary cancer-predisposing syndrome. Also called: Hereditary Cancer Syndrome; Hereditary neoplastic syndrome; Neoplastic Syndromes, Hereditary; Tumor predisposition. Identifiers: Orphanet 140162, MedGen C0027672, MeSH D009386, MONDO:0015356.
Bloom syndrome (BLM). Also called: Bloom-Torre-Machacek syndrome. Identifiers: Orphanet 125, MedGen C0005859, MONDO:0008876, OMIM 210900.

Allele frequency attached by ClinVar (database versions not stated): gnomAD exomes below 0.00001; gnomAD 0.00001; TOPMed 0.00001.
gnomAD v4.1: 7 of 1,613,756 alleles (0.00043%); highest among the groups gnomAD compares: Non-Finnish European, 0.00059%; no homozygotes.

Submissions (5):

Labcorp Genetics (formerly Invitae), Labcorp
Classification: Uncertain significance for Bloom syndrome. Last evaluated: 2025-11-10. Review status: criteria provided, single submitter. Criteria: Invitae Variant Classification Sherloc (09022015). Collection method: clinical testing. Allele origin: germline.
Comment: This sequence change replaces proline, which is neutral and non-polar, with arginine, which is basic and polar, at codon 355 of the BLM protein (p.Pro355Arg). This variant is not present in population databases (gnomAD no frequency). This variant has not been reported in the literature in individuals affected with BLM-related conditions. ClinVar contains an entry for this variant (Variation ID: 454061). An algorithm developed to predict the effect of missense changes on protein structure and function outputs the following: PolyPhen-2: "Benign". The arginine amino acid residue is found in multiple mammalian species, which suggests that this missense change does not adversely affect protein function. In summary, the available evidence is currently insufficient to determine the role of this variant in disease. Therefore, it has been classified as a Variant of Uncertain Significance.

Women's Health and Genetics/Laboratory Corporation of America, LabCorp
Classification: Uncertain significance. Last evaluated: 2025-04-25. Review status: criteria provided, single submitter. Criteria: LabCorp Variant Classification Summary - May 2015. Collection method: clinical testing. Allele origin: germline.

Ambry Genetics
Classification: Uncertain significance for Hereditary cancer-predisposing syndrome. Last evaluated: 2024-05-13. Review status: criteria provided, single submitter. Criteria: Ambry Variant Classification Scheme 2023. Collection method: clinical testing. Allele origin: germline.
Comment: The p.P355R variant (also known as c.1064C>G), located in coding exon 4 of the BLM gene, results from a C to G substitution at nucleotide position 1064. The proline at codon 355 is replaced by arginine, an amino acid with dissimilar properties. This amino acid position is poorly conserved in available vertebrate species. In addition, this alteration is predicted to be tolerated by in silico analysis. Since supporting evidence is limited at this time, the clinical significance of this alteration remains unclear.

Genetic Services Laboratory, University of Chicago
Classification: Uncertain significance. Last evaluated: 2020-04-16. Review status: criteria provided, single submitter. Criteria: ACMG Guidelines, 2015. Collection method: clinical testing. Allele origin: germline. Affected: no.
Comment: DNA sequence analysis of the BLM gene demonstrated a sequence change, c.1064C>G, in exon 5 that results in an amino acid change, p.Pro355Arg. This sequence change does not appear to have been previously described in patients with BLM-related disorders and has also not been described in the population databases (ExAC and gnomAD). The p.Pro355Arg change affects a poorly conserved amino acid residue located in a domain of the BLM protein that is not known to be functional. The p.Pro355Arg substitution appears to be benign using several in-silico pathogenicity prediction tools (SIFT, PolyPhen2, Align GVGD, REVEL). Due to these contrasting evidences and the lack of functional studies, the clinical significance of the p.Pro355Arg change remains unknown at this time.

Natera, Inc.
Classification: Uncertain significance for Bloom syndrome. Last evaluated: 2020-09-04. Review status: no assertion criteria provided. Collection method: clinical testing. Allele origin: germline. Not counted in ClinVar's aggregate classification.

NM_000057.4(BLM):c.1064C>G (p.Pro355Arg)

Gene: BLM (BLM RecQ like helicase; plus strand). Cytogenetic location: 15q26.1.
Variant type: single nucleotide variant.
Coding change: c.1064C>G on transcript NM_000057.4 (MANE Select); coding-DNA position 1064, C replaced by G.
Protein change: p.Pro355Arg; replaces proline 355 with arginine.
Molecular consequence: missense variant. On other transcripts: 5 prime UTR variant (1).
Genome position (GRCh38, 1-based): chr15:90,754,915, C>G. VCF-style: chr15-90754915-C-G. GRCh37 (hg19) VCF-style: chr15-91298145-C-G.
Other names: c.1064C>G, p.Pro355Arg (NM_001287246.2, NM_001287247.2); c.-228C>G (NM_001287248.2); short protein forms P355R.
Identifiers: ClinVar variation 454061 (VCV000454061.19), dbSNP rs1022898915, ClinGen allele CA274731664.
Genomic context (GRCh38, chr15:90,754,915, plus strand): 5'-TTAGCACATCAAAAGATCTTTTGTCAAAACCTGAGAAAATGAGTATGCAGGAGCTGAATC[C>G]AGAAACCAGCACAGACTGTGACGGTACAAGCAATATTTTAGACATACCATGTATTTCAAC-3'
Protein context (NP_000048.1, residues 345-365): PEKMSMQELN[Pro355Arg]ETSTDCDARQ